The following is an entry in ClinVar:

NM_001377.3(DYNC2H1):c.4496G>A (p.Trp1499Ter)

Gene: DYNC2H1 (dynein cytoplasmic 2 heavy chain 1; plus strand). Cytogenetic location: 11q22.3.
Variant type: single nucleotide variant.
Coding change: c.4496G>A on transcript NM_001377.3 (MANE Select); coding-DNA position 4496, G replaced by A.
Protein change: p.Trp1499Ter; replaces tryptophan 1499 with a stop codon.
Molecular consequence: nonsense.
Genome position (GRCh38, 1-based): chr11:103,163,032, G>A. VCF-style: chr11-103163032-G-A. GRCh37 (hg19) VCF-style: chr11-103033761-G-A.
Other names: c.4496G>A, p.Trp1499Ter (NM_001080463.2); short protein forms W1499*.
Identifiers: ClinVar variation 2823077 (VCV002823077.4), dbSNP rs1262807447, ClinGen allele CA382239032.
Genomic context (GRCh38, chr11:103,163,032, plus strand): 5'-TTATTTTCCAGTTTATTTTATGTCTTGTTTATATTATTTTCCAATTTCTTTTTCAGACAT[G>A]GTTGAATGATTTGGCCTTAGAAATGAAGAAAACTTTGGAACAGTTGTTGAAGGAATGTGT-3'

ClinVar aggregate classification (germline): Pathogenic. Review status: criteria provided, multiple submitters, no conflicts (2 of 4 stars). 2 submissions from 2 submitters: Pathogenic (2). Last evaluated 2026-03-08.

Conditions:
Asphyxiating thoracic dystrophy 3. Also called: SHORT-RIB THORACIC DYSPLASIA 3 WITH OR WITHOUT POLYDACTYLY; POLYDACTYLY WITH NEONATAL CHONDRODYSTROPHY, TYPE I; SHORT-RIB THORACIC DYSPLASIA 3/6 WITH POLYDACTYLY, DIGENIC; Short rib polydactyly syndrome 2B; Saldino-Noonan Syndrome. Identifiers: Orphanet 474, Orphanet 93269, Orphanet 93270, Orphanet 93271, MedGen C0036069, MONDO:0013127, OMIM 613091.
Jeune thoracic dystrophy. Also called: Jeune syndrome; Infantile thoracic dystrophy; Thoracic pelvic phalangeal dystrophy; Jeune's syndrome; Chondroectodermal dysplasia-like syndrome; Short-rib thoracic dysplasia. Identifiers: Orphanet 474, MedGen C0265275, MONDO:0018770.

Allele frequency attached by ClinVar (database versions not stated): gnomAD 0.00001; TOPMed below 0.00001.
gnomAD v4.1: 1 of 1,609,802 alleles (0.000062%); highest among the groups gnomAD compares: Non-Finnish European, 0.000085%; no homozygotes.

Submissions (2):

Myriad Genetics, Inc.
Classification: Pathogenic for Asphyxiating thoracic dystrophy 3. Last evaluated: 2026-03-08. Review status: criteria provided, single submitter. Criteria: Myriad Autosomal Dominant, Autosomal Recessive and X-Linked Classification Criteria (2023). Collection method: clinical testing. Allele origin: unknown.
Comment: NM_001377.2(DYNC2H1):c.4496G>A(W1499*) is expected to be pathogenic in the context of DYNC2H1-related disorders. This variant is predicted to lead to an abnormal or absent protein product due to the creation of a premature termination codon in DYNC2H1, a gene where loss-of-function variants are known to be pathogenic. Please note: this variant was assessed in the context of healthy population screening.

Labcorp Genetics (formerly Invitae), Labcorp
Classification: Pathogenic for Jeune thoracic dystrophy. Last evaluated: 2023-08-04. Review status: criteria provided, single submitter. Criteria: Invitae Variant Classification Sherloc (09022015). Collection method: clinical testing. Allele origin: germline.
Comment: For these reasons, this variant has been classified as Pathogenic. This sequence change creates a premature translational stop signal (p.Trp1499*) in the DYNC2H1 gene. It is expected to result in an absent or disrupted protein product. Loss-of-function variants in DYNC2H1 are known to be pathogenic (PMID: 23339108, 32753734, 33755199). This variant is not present in population databases (gnomAD no frequency). This variant has not been reported in the literature in individuals affected with DYNC2H1-related conditions.

Literature cited by the submitters: PubMed 23339108 (cited by Labcorp Genetics (formerly Invitae), Labcorp); PubMed 32753734 (cited by Labcorp Genetics (formerly Invitae), Labcorp); PubMed 33755199 (cited by Labcorp Genetics (formerly Invitae), Labcorp).